The following is an entry in ClinVar:

NM_020988.3(GNAO1):c.1052G>A (p.Cys351Tyr)

Gene: GNAO1 (G protein subunit alpha o1; plus strand). Cytogenetic location: 16q13.
Variant type: single nucleotide variant.
Coding change: c.1052G>A on transcript NM_020988.3 (MANE Select); coding-DNA position 1052, G replaced by A.
Protein change: p.Cys351Tyr; replaces cysteine 351 with tyrosine.
Molecular consequence: missense variant.
Genome position (GRCh38, 1-based): chr16:56,355,040, G>A. VCF-style: chr16-56355040-G-A. GRCh37 (hg19) VCF-style: chr16-56388952-G-A.
Other names: short protein forms C351Y.
Identifiers: ClinVar variation 4745994 (VCV004745994.1).

ClinVar aggregate classification (germline): Uncertain significance (1 of 4 stars; one submission).

Conditions:
Early-infantile DEE. Also called: Early infantile epileptic encephalopathy with suppression bursts; Ohtahara syndrome; Early infantile epileptic encephalopathy. Identifiers: Orphanet 1934, MedGen C0393706, MONDO:0800491.

Submission:

Labcorp Genetics (formerly Invitae), Labcorp
Classification: Uncertain significance for Early-infantile DEE. Last evaluated: 2025-04-17. Review status: criteria provided, single submitter. Criteria: Invitae Variant Classification Sherloc (09022015). Collection method: clinical testing. Allele origin: germline.
Comment: This sequence change replaces cysteine, which is neutral and slightly polar, with tyrosine, which is neutral and polar, at codon 351 of the GNAO1 protein (p.Cys351Tyr). This variant is not present in population databases (gnomAD no frequency). This variant has not been reported in the literature in individuals affected with GNAO1-related conditions. Invitae Evidence Modeling of protein sequence and biophysical properties (such as structural, functional, and spatial information, amino acid conservation, physicochemical variation, residue mobility, and thermodynamic stability) has been performed for this missense variant. However, the output from this modeling did not meet the statistical confidence thresholds required to predict the impact of this variant on GNAO1 protein function. In summary, the available evidence is currently insufficient to determine the role of this variant in disease. Therefore, it has been classified as a Variant of Uncertain Significance.